The following is an entry in ClinVar:

NM_173628.4(DNAH17):c.6644_6645del (p.Leu2215fs)

Genes: DNAH17-AS1 (DNAH17 antisense RNA 1; plus strand), DNAH17 (dynein axonemal heavy chain 17; minus strand). Cytogenetic location: 17q25.3.
Variant type: Microsatellite.
Coding change: c.6644_6645del on transcript NM_173628.4 (MANE Select); coding-DNA positions 6644 to 6645, 2 bases deleted (TC; older notation c.6644_6645delTC).
Protein change: p.Leu2215fs; shifts the reading frame from leucine 2215.
Molecular consequence: frameshift variant.
Genome position (GRCh38, 1-based): chr17:78,491,467-78,491,468, GA deleted on the plus strand (TC on the coding strand, the reverse complement: DNAH17 is on the minus strand); deleting any 2 consecutive bases within chr17:78,491,467-78,491,472 gives the same sequence; the c. name uses the placement nearest the transcript's 3' end. VCF-style (leftmost placement, unchanged base first): chr17-78491466-TGA-T. GRCh37 (hg19) VCF-style: chr17-76487548-TGA-T.
Other names: short protein forms L2215fs.
Identifiers: ClinVar variation 5019039 (VCV005019039.2).

ClinVar aggregate classification (germline): Likely pathogenic (1 of 4 stars; one submission).

Conditions:
Spermatogenic failure 39. Identifiers: MedGen C5231438, MONDO:0032845, OMIM 618643.

Submission:

Juno Genomics, Hangzhou Juno Genomics, Inc
Classification: Likely pathogenic for Spermatogenic failure 39. Review status: criteria provided, single submitter. Criteria: ACMG Guidelines, 2015. Collection method: clinical testing. Allele origin: germline.
Comment: Absent from controls (or at extremely low frequency if recessive) in Genome Aggregation Database.;Null variant in a gene where loss of function (LOF) is a known mechanism of disease.